The following continues an entry in ClinVar:

NM_000059.4(BRCA2):c.8331+2T>C

Gene: BRCA2. ClinVar aggregate classification (germline): Pathogenic/Likely pathogenic. Pathogenic (11); Likely pathogenic (4).

Submissions 10 to 17 of 17:

National Health Laboratory Service, Universitas Academic Hospital and University of the Free State
Classification: Pathogenic for Hereditary breast ovarian cancer syndrome. Last evaluated: 2021-11-16. Review status: criteria provided, single submitter. Criteria: ACMG Guidelines, 2015. Collection method: clinical testing. Allele origin: germline. Affected: yes. Observed: 1 variant allele.

Baylor Genetics
Classification: Pathogenic for Familial cancer of breast. Last evaluated: 2021-04-12. Review status: criteria provided, single submitter. Criteria: ACMG Guidelines, 2015. Collection method: clinical testing. Allele origin: unknown.

Sema4
Classification: Likely pathogenic for Hereditary cancer-predisposing syndrome. Last evaluated: 2021-04-05. Review status: criteria provided, single submitter. Criteria: Sema4 Curation Guidelines. Collection method: curation. Allele origin: germline.
Comment: The BRCA2 c.8331+2T>C variant has been reported in several individuals with breast and/or ovarian cancer (PMID: 24504028, 25186627, 29487695, 29339979). However, the variant was also observed in individuals who presented with clinical history not consistent with that of pathogenic hereditary breast and ovarian cancer variant carriers (PMID: 33469799). This variant affects a canonical splice donor site and in silico tools predict the variant to result in aberrant splicing. Functional studies confirmed the variant to have an impact on splicing, however at least two independent RNA studies report significant expression of the WT transcript from the c.8331+2T>C allele (PMID: 28339459, 30832263, 31143303, 33469799). This variant is not reported in the Genome Aggregation Database (PMID: 32461654). This variant has been reported in ClinVar (Variation ID: 267692). Based on the current evidence available, this variant is likely pathogenic with reduced risk.

Laboratory for Molecular Medicine, Mass General Brigham Personalized Medicine
Classification: Pathogenic for Hereditary breast ovarian cancer syndrome. Last evaluated: 2019-10-14. Review status: criteria provided, single submitter. Criteria: ACMG Guidelines, 2015. Collection method: clinical testing. Allele origin: germline.
Comment: The c.8331+2T>C variant in BRCA2 has been reported in at least 2 probands with BRCA2-related cancer (Cunningham 2014, Tung 2015). It was absent from large population studies, but has been reported in ClinVar (Variation ID: 267692). This variant occurs within the canonical splice site (+/- 1,2) and is predicted to cause altered splicing leading to an abnormal or absent protein. In vitro functional studies confirm that this variant leads to abnormal splicing (Fraile-Bethencourt 2017). In summary, this variant meets criteria to be classified as pathogenic for autosomal dominant hereditary breast and ovarian cancer (HBOC). ACMG/AMP Criteria applied: PVS1, PM2, PS4_Supporting.

Department of Medical Genetics, Oslo University Hospital
Classification: Pathogenic for Breast-ovarian cancer, familial, susceptibility to, 2. Last evaluated: 2015-11-12. Review status: criteria provided, single submitter. Criteria: ACMG Guidelines, 2015. Collection method: clinical testing. Allele origin: germline. Affected: yes. Observed: 71 variant alleles.

Consortium of Investigators of Modifiers of BRCA1/2 (CIMBA), c/o University of Cambridge
Classification: Pathogenic for Breast-ovarian cancer, familial, susceptibility to, 2. Last evaluated: 2015-10-02. Review status: criteria provided, single submitter. Criteria: CIMBA Mutation Classification guidelines May 2016. Collection method: clinical testing. Allele origin: germline.

BRCAlab, Lund University
Classification: Pathogenic for Breast-ovarian cancer, familial, susceptibility to, 2. Last evaluated: 2022-08-26. Review status: no assertion criteria provided. Collection method: clinical testing. Allele origin: germline. Affected: yes. Not counted in ClinVar's aggregate classification.

Research Molecular Genetics Laboratory, Women's College Hospital, University of Toronto
Classification: Pathogenic for Hereditary breast ovarian cancer syndrome. Last evaluated: 2014-01-31. Review status: no assertion criteria provided. Collection method: research. Allele origin: germline. Affected: yes. Study: The Canadian Open Genetics Repository (COGR). Not counted in ClinVar's aggregate classification.

Literature cited by the submitters: PubMed 24504028 (cited by 6 submitters); PubMed 24728189 (cited by 3 submitters); PubMed 28339459 (cited by 6 submitters); PubMed 29339979 (cited by 5 submitters); PubMed 29487695 (cited by 5 submitters); PubMed 30832263 (cited by 4 submitters); PubMed 31143303 (cited by 4 submitters); PubMed 32123317 (cited by Ambry Genetics and Quest Diagnostics Nichols Institute San Juan Capistrano); PubMed 33469799 (cited by 4 submitters); PubMed 16199547 (cited by Labcorp Genetics (formerly Invitae), Labcorp); PubMed 20104584 (cited by Labcorp Genetics (formerly Invitae), Labcorp); PubMed 25186627 (cited by 5 submitters); PubMed 29446198 (cited by Labcorp Genetics (formerly Invitae), Labcorp and Quest Diagnostics Nichols Institute San Juan Capistrano); PubMed 18779604 (cited by Color Diagnostics, LLC DBA Color Health); PubMed 31131967 (cited by Color Diagnostics, LLC DBA Color Health and Quest Diagnostics Nichols Institute San Juan Capistrano); PubMed 35464868 (cited by Color Diagnostics, LLC DBA Color Health and Quest Diagnostics Nichols Institute San Juan Capistrano); PubMed 30702160 (cited by Quest Diagnostics Nichols Institute San Juan Capistrano); PubMed 33471991 (cited by Quest Diagnostics Nichols Institute San Juan Capistrano); PubMed 32854451 (cited by Quest Diagnostics Nichols Institute San Juan Capistrano); PubMed 30130155 (cited by Quest Diagnostics Nichols Institute San Juan Capistrano); DOI 10.3389/fgene.2022.834265 (cited by National Health Laboratory Service, Universitas Academic Hospital and University of the Free State).